The following is an entry in ClinVar:

ClinVar aggregate classification (germline): Uncertain significance (1 of 4 stars; one submission).

gnomAD v4.1: 6 of 1,353,638 alleles (0.00044%); highest among the groups gnomAD compares: Non-Finnish European, 0.00057%; no homozygotes.

Submission:

Labcorp Genetics (formerly Invitae), Labcorp
Classification: Uncertain significance. Last evaluated: 2025-07-14. Review status: criteria provided, single submitter. Criteria: Invitae Variant Classification Sherloc (09022015). Collection method: clinical testing. Allele origin: germline.
Comment: This sequence change replaces alanine, which is neutral and non-polar, with glutamic acid, which is acidic and polar, at codon 26 of the INSR protein (p.Ala26Glu). This variant is not present in population databases (gnomAD no frequency). This variant has not been reported in the literature in individuals affected with INSR-related conditions. Invitae Evidence Modeling of protein sequence and biophysical properties (such as structural, functional, and spatial information, amino acid conservation, physicochemical variation, residue mobility, and thermodynamic stability) indicates that this missense variant is not expected to disrupt INSR protein function with a negative predictive value of 95%. In summary, the available evidence is currently insufficient to determine the role of this variant in disease. Therefore, it has been classified as a Variant of Uncertain Significance.

NM_000208.4(INSR):c.77C>A (p.Ala26Glu)

Genes: INSR (insulin receptor; minus strand), LOC130063353 (ATAC-STARR-seq lymphoblastoid silent region 9974; plus strand). Cytogenetic location: 19p13.2.
Variant type: single nucleotide variant.
Coding change: c.77C>A on transcript NM_000208.4 (MANE Select); coding-DNA position 77, C replaced by A.
Protein change: p.Ala26Glu; replaces alanine 26 with glutamic acid.
Molecular consequence: missense variant.
Genome position (GRCh38, 1-based): chr19:7,293,815, G>T on the plus strand (C>A on the coding strand, the complement: INSR is on the minus strand). VCF-style: chr19-7293815-G-T. GRCh37 (hg19) VCF-style: chr19-7293826-G-T.
Other names: c.77C>A, p.Ala26Glu (NM_001079817.3); short protein forms A26E.
Identifiers: ClinVar variation 4691855 (VCV004691855.1).
Genomic context (GRCh38, chr19:7,293,815, plus strand): 5'-CGGCGCTCCCCGCCCACGCCCGCGCCCCCAGACTCACCCTCTCCGGGGTACAGGTGGCCC[G>T]CGGCGCCCAGTAGCAGCGCGGCCACCGCCACCAGCAGCGGCGCGGCCGCCGCCCCCCGCC-3'
Protein context (NP_000199.2, residues 16-36): VAVAALLLGA[Ala26Glu]GHLYPGEVCP